The following is an entry in ClinVar:

NM_000283.4(PDE6B):c.2363G>A (p.Arg788His)

Gene: PDE6B (phosphodiesterase 6B; plus strand). Cytogenetic location: 4p16.3.
Variant type: single nucleotide variant.
Coding change: c.2363G>A on transcript NM_000283.4 (MANE Select); coding-DNA position 2363, G replaced by A.
Protein change: p.Arg788His; replaces arginine 788 with histidine.
Molecular consequence: missense variant.
Genome position (GRCh38, 1-based): chr4:667,866, G>A. VCF-style: chr4-667866-G-A. GRCh37 (hg19) VCF-style: chr4-661655-G-A.
Other names: c.2363G>A, p.Arg788His (NM_001145291.2); c.1526G>A, p.Arg509His (NM_001145292.2, NM_001350154.3, NM_001379246.1 and 1 more transcripts); c.1208G>A, p.Arg403His (NM_001350155.3); short protein forms R509H, R403H, R788H.
Identifiers: ClinVar variation 954653 (VCV000954653.26), dbSNP rs777999727, ClinGen allele CA2795039.

ClinVar aggregate classification (germline): Uncertain significance. Review status: criteria provided, multiple submitters, no conflicts (2 of 4 stars). 8 submissions from 8 submitters: Uncertain significance (6). 2 of the submissions do not count toward it. Last evaluated 2025-08-08.

Conditions:
Retinitis pigmentosa 40 (RP40). Identifiers: Orphanet 791, MedGen C3151107, MONDO:0013429, OMIM 613801.
Inborn genetic diseases. Identifiers: MedGen C0950123, MeSH D030342.
Retinal dystrophy. Also called: Inherited retinal dystrophy. Identifiers: Orphanet 71862, MedGen C0854723, MeSH D058499, MONDO:0019118, HP:0000556.

Allele frequency attached by ClinVar (database versions not stated): TOPMed 0.00003; ExAC 0.00009; gnomAD exomes 0.00006 and 0.00010.
gnomAD v4.1: 96 of 1,613,036 alleles (0.006%); highest among the groups gnomAD compares: East Asian, 0.16%; no homozygotes.

Submissions (8):

3billion
Classification: Uncertain significance for Retinitis pigmentosa 40. Last evaluated: 2025-08-08. Review status: criteria provided, single submitter. Criteria: ACMG Guidelines, 2015. Collection method: clinical testing. Allele origin: germline. Affected: yes.
Comment: The variant is observed at an extremely low frequency in the gnomAD v4.1.0 dataset (total allele frequency: 0.006%). Predicted Consequence/Location: Missense variant Damaging effect on gene or gene product predicted by in silico programs is uncertain [REVEL: 0.60 (damaging >=0.6, benign <0.4)]. The variant has been reported as of uncertain significance (ClinVar ID: VCV000954653). Different missense changes at the same codon have been reported as of uncertain significance (ClinVar ID: VCV002124772, VCV000809607). Therefore, this variant is classified as VUS according to the recommendation of ACMG/AMP guideline.

Labcorp Genetics (formerly Invitae), Labcorp
Classification: Uncertain significance. Last evaluated: 2025-04-30. Review status: criteria provided, single submitter. Criteria: Invitae Variant Classification Sherloc (09022015). Collection method: clinical testing. Allele origin: germline.
Comment: This sequence change replaces arginine, which is basic and polar, with histidine, which is basic and polar, at codon 788 of the PDE6B protein (p.Arg788His). This variant is present in population databases (rs777999727, gnomAD 0.1%). This variant has not been reported in the literature in individuals affected with PDE6B-related conditions. ClinVar contains an entry for this variant (Variation ID: 954653). Invitae Evidence Modeling of protein sequence and biophysical properties (such as structural, functional, and spatial information, amino acid conservation, physicochemical variation, residue mobility, and thermodynamic stability) has been performed for this missense variant. However, the output from this modeling did not meet the statistical confidence thresholds required to predict the impact of this variant on PDE6B protein function. In summary, the available evidence is currently insufficient to determine the role of this variant in disease. Therefore, it has been classified as a Variant of Uncertain Significance.

Dept Of Ophthalmology, Nagoya University
Classification: Uncertain significance for Retinal dystrophy. Last evaluated: 2023-10-01. Review status: criteria provided, single submitter. Criteria: Submitter's publication. Collection method: research. Allele origin: germline. Affected: yes.

Ambry Genetics
Classification: Uncertain significance for Inborn genetic diseases. Last evaluated: 2023-04-18. Review status: criteria provided, single submitter. Criteria: Ambry Variant Classification Scheme 2023. Collection method: clinical testing. Allele origin: germline.

Blueprint Genetics
Classification: Uncertain significance. Last evaluated: 2022-01-20. Review status: criteria provided, single submitter. Criteria: ACMG Guidelines, 2015. Collection method: clinical testing. Allele origin: germline.

ARUP Laboratories, Molecular Genetics and Genomics, ARUP Laboratories
Classification: Uncertain significance. Last evaluated: 2019-09-19. Review status: criteria provided, single submitter. Criteria: ARUP Molecular Germline Variant Investigation Process. Collection method: clinical testing. Allele origin: germline.
Comment: The PDE6B c.2363G>A; p.Arg788His variant (rs777999727) is reported in the medical literature in individuals with retinitis pigmentosa, but was not determined to be causative (Koyanagi 2019). This variant is found in the East Asian population with an allele frequency of 0.1% (24/19,952 alleles) in the Genome Aggregation Database. The arginine at codon 788 is highly conserved, but computational analyses (SIFT: Damaging, PolyPhen-2:Benign) predict conflicting effects of this variant on protein structure/function. Due to limited information, the clinical significance of this variant is uncertain. References: Koyanagi Y et al. Genetic characteristics of retinitis pigmentosa in 1204 Japanese patients. J Med Genet. 2019 Jun 17. (Epub ahead of print)

Clinical Genetics DNA and cytogenetics Diagnostics Lab, Erasmus MC, Erasmus Medical Center
Classification: Uncertain significance. Review status: no assertion criteria provided. Collection method: clinical testing. Allele origin: germline. Affected: yes. Study: VKGL Data-share Consensus. Not counted in ClinVar's aggregate classification.

Joint Genome Diagnostic Labs from Nijmegen and Maastricht, Radboudumc and MUMC+
Classification: Uncertain significance. Review status: no assertion criteria provided. Collection method: clinical testing. Allele origin: germline. Affected: yes. Study: VKGL Data-share Consensus. Not counted in ClinVar's aggregate classification.